The following is an entry in ClinVar:

NM_000374.5(UROD):c.85G>C (p.Asp29His)

Gene: UROD (uroporphyrinogen decarboxylase; plus strand). Cytogenetic location: 1p34.1.
Variant type: single nucleotide variant.
Coding change: c.85G>C on transcript NM_000374.5 (MANE Select); coding-DNA position 85, G replaced by C.
Protein change: p.Asp29His; replaces aspartic acid 29 with histidine.
Molecular consequence: missense variant. On other transcripts: non-coding transcript variant (3).
Genome position (GRCh38, 1-based): chr1:45,012,971, G>C. VCF-style: chr1-45012971-G-C. GRCh37 (hg19) VCF-style: chr1-45478643-G-C.
Other names: short protein forms D29H.
Identifiers: ClinVar variation 4280669 (VCV004280669.1).

ClinVar aggregate classification (germline): Uncertain significance (1 of 4 stars; one submission).

Conditions:
Familial porphyria cutanea tarda (PCT). Also called: PCT, ''FAMILIAL'' TYPE; PCT, TYPE II; PORPHYRIA CUTANEA TARDA, TYPE II; PORPHYRIA, HEPATOCUTANEOUS TYPE; UROD DEFICIENCY; UROPORPHYRINOGEN DECARBOXYLASE DEFICIENCY. Identifiers: Orphanet 101330, Orphanet 443062, MedGen C0268323, MONDO:0008296, OMIM 176100.

gnomAD v4.1: 72 of 1,613,832 alleles (0.0045%); highest among the groups gnomAD compares: Non-Finnish European, 0.006%; no homozygotes.

Submission:

Institute of Human Genetics, University of Goettingen
Classification: Uncertain significance for Familial porphyria cutanea tarda. Last evaluated: 2022-07-15. Review status: criteria provided, single submitter. Criteria: ACMG Guidelines, 2015. Collection method: clinical testing. Allele origin: germline. Affected: yes. Observed: 1 heterozygote.
Comment: The variant c.85G>C (p.(Asp29His)) in the UROD gene is absent from the gnomAD database and currently not listed in ClinVar or HGMD; it affects a moderately conserved amino acid within a functional protein domain, and 14 out of 17 in silico tools predict a deleterious effect; ACMG criteria used for classification: PM2, PP3_supporting.